The following is an entry in ClinVar:

ClinVar aggregate classification (germline): Pathogenic/Likely pathogenic. Review status: criteria provided, multiple submitters, no conflicts (2 of 4 stars). 2 submissions from 2 submitters: Pathogenic (1); Likely pathogenic (1). Last evaluated 2022-11-27.

Conditions:
COL2A1-related disorder. Also called: COL2A1-related condition; COL2A1-related disorders.

Submissions (2):

Labcorp Genetics (formerly Invitae), Labcorp
Classification: Pathogenic. Last evaluated: 2022-11-27. Review status: criteria provided, single submitter. Criteria: Invitae Variant Classification Sherloc (09022015). Collection method: clinical testing. Allele origin: germline.
Comment: This sequence change creates a premature translational stop signal (p.Gln131*) in the COL2A1 gene. It is expected to result in an absent or disrupted protein product. Loss-of-function variants in COL2A1 are known to be pathogenic (PMID: 20179744). This variant is not present in population databases (gnomAD no frequency). This variant has not been reported in the literature in individuals affected with COL2A1-related conditions. For these reasons, this variant has been classified as Pathogenic.

Blueprint Genetics
Classification: Likely pathogenic for COL2A1-related disorders. Last evaluated: 2017-12-11. Review status: criteria provided, single submitter. Criteria: ACMG Guidelines, 2015. Collection method: clinical testing. Allele origin: germline. Affected: yes. Observed: 1 variant allele.

Literature cited by the submitters: PubMed 20179744 (cited by Labcorp Genetics (formerly Invitae), Labcorp).

NM_001844.5(COL2A1):c.391C>T (p.Gln131Ter)

Gene: COL2A1 (collagen type II alpha 1 chain; minus strand). Cytogenetic location: 12q13.11.
Variant type: single nucleotide variant.
Coding change: c.391C>T on transcript NM_001844.5 (MANE Select); coding-DNA position 391, C replaced by T.
Protein change: p.Gln131Ter; replaces glutamine 131 with a stop codon.
Molecular consequence: nonsense.
Genome position (GRCh38, 1-based): chr12:47,997,909, G>A on the plus strand (C>T on the coding strand, the complement: COL2A1 is on the minus strand). VCF-style: chr12-47997909-G-A. GRCh37 (hg19) VCF-style: chr12-48391692-G-A.
Other names: c.184C>T, p.Gln62Ter (NM_033150.3); short protein forms Q131*, Q62*.
Identifiers: ClinVar variation 2816955 (VCV002816955.4), dbSNP rs2540181480, ClinGen allele CA384525016.